The following is an entry in ClinVar:

ClinVar aggregate classification (germline): Uncertain significance (1 of 4 stars; one submission).

gnomAD v4.1: 14 of 1,173,913 alleles (0.0012%); highest among the groups gnomAD compares: Admixed American, 0.014%; no homozygotes.

Submission:

Greenwood Genetic Center Diagnostic Laboratories, Greenwood Genetic Center
Classification: Uncertain significance. Last evaluated: 2025-04-28. Review status: criteria provided, single submitter. Criteria: ACMG Guidelines, 2015. Collection method: clinical testing. Allele origin: germline. Affected: yes.
Comment: BP4

NM_014008.5(CCDC22):c.700C>T (p.Arg234Cys)

Gene: CCDC22 (CCC complex scaffolding subunit CCDC22; plus strand). Cytogenetic location: Xp11.23.
Variant type: single nucleotide variant.
Coding change: c.700C>T on transcript NM_014008.5 (MANE Select); coding-DNA position 700, C replaced by T.
Protein change: p.Arg234Cys; replaces arginine 234 with cysteine.
Molecular consequence: missense variant.
Genome position (GRCh38, 1-based): chrX:49,243,448, C>T. VCF-style: chrX-49243448-C-T. GRCh37 (hg19) VCF-style: chrX-49099914-C-T.
Other names: short protein forms R234C.
Identifiers: ClinVar variation 4538398 (VCV004538398.1).